The following is an entry in ClinVar:

NM_001358921.2(COQ2):c.832_833del (p.Trp278fs)

Gene: COQ2 (coenzyme Q2, polyprenyltransferase; minus strand). Cytogenetic location: 4q21.23.
Variant type: Deletion.
Coding change: c.832_833del on transcript NM_001358921.2 (MANE Select); coding-DNA positions 832 to 833, 2 bases deleted (TG; older notation c.832_833delTG).
Protein change: p.Trp278fs; shifts the reading frame from tryptophan 278.
Molecular consequence: frameshift variant.
Genome position (GRCh38, 1-based): chr4:83,267,704-83,267,705, CA deleted on the plus strand (TG on the coding strand, the reverse complement: COQ2 is on the minus strand); deleting any 2 consecutive bases within chr4:83,267,704-83,267,706 gives the same sequence; the c. name uses the placement nearest the transcript's 3' end. VCF-style (leftmost placement, unchanged base first): chr4-83267703-CCA-C. GRCh37 (hg19) VCF-style: chr4-84188856-CCA-C.
Other names: c.982_983del, p.Trp328fs (NM_015697.9); short protein forms W278fs, W328fs.
Identifiers: ClinVar variation 4694753 (VCV004694753.1).

ClinVar aggregate classification (germline): Pathogenic (1 of 4 stars; one submission).

Submission:

Labcorp Genetics (formerly Invitae), Labcorp
Classification: Pathogenic. Last evaluated: 2025-11-11. Review status: criteria provided, single submitter. Criteria: Invitae Variant Classification Sherloc (09022015). Collection method: clinical testing. Allele origin: germline.
Comment: This sequence change creates a premature translational stop signal (p.Trp328Alafs*49) in the COQ2 gene. While this is not anticipated to result in nonsense mediated decay, it is expected to disrupt the last 94 amino acid(s) of the COQ2 protein. This variant is not present in population databases (gnomAD no frequency). This variant has not been reported in the literature in individuals affected with COQ2-related conditions. This variant disrupts a region of the COQ2 protein in which other variant(s) (p.Arg387*) have been determined to be pathogenic (PMID: 17332895, 23758206, 29637272). This suggests that this is a clinically significant region of the protein, and that variants that disrupt it are likely to be disease-causing. For these reasons, this variant has been classified as Pathogenic.

Literature cited by the submitters: PubMed 17332895; PubMed 23758206; PubMed 29637272.